The following is an entry in ClinVar:

ClinVar aggregate classification (germline): Likely benign. Review status: criteria provided, multiple submitters, no conflicts (2 of 4 stars). 5 submissions from 5 submitters: Likely benign (5). Last evaluated 2025-12-21.

Conditions:
Cardiovascular phenotype. Identifiers: MedGen CN230736.
Long QT syndrome (LQTS). Identifiers: MedGen C0023976, MeSH D008133, MONDO:0002442. Disease mechanism: loss of function. Inheritance: Various modes of inheritance.

Allele frequency attached by ClinVar (database versions not stated): gnomAD exomes 0.00007 and 0.00023; ExAC 0.00028; gnomAD 0.00074 and 0.00081; ESP Exome Variant Server 0.00092; TOPMed 0.00096; 1000 Genomes Project 0.00120; 1000 Genomes Project 30x 0.00141.

Submissions (5):

Labcorp Genetics (formerly Invitae), Labcorp
Classification: Likely benign for Long QT syndrome. Last evaluated: 2025-12-21. Review status: criteria provided, single submitter. Criteria: Invitae Variant Classification Sherloc (09022015). Collection method: clinical testing. Allele origin: germline.

Blueprint Genetics
Classification: Likely benign. Last evaluated: 2023-03-31. Review status: criteria provided, single submitter. Criteria: ACMG Guidelines, 2015. Collection method: clinical testing. Allele origin: germline.

Women's Health and Genetics/Laboratory Corporation of America, LabCorp
Classification: Likely benign. Last evaluated: 2021-01-07. Review status: criteria provided, single submitter. Criteria: LabCorp Variant Classification Summary - May 2015. Collection method: clinical testing. Allele origin: germline.
Comment: Variant summary: AKAP9 c.1651A>G (p.Ile551Val) results in a conservative amino acid change in the encoded protein sequence. Five of five in-silico tools predict a benign effect of the variant on protein function. The variant allele was found at a frequency of 0.00023 in 250796 control chromosomes, predominantly at a frequency of 0.003 within the African or African-American subpopulation in the gnomAD database. The observed variant frequency within African or African-American control individuals in the gnomAD database is approximately 900 fold of the estimated maximal expected allele frequency for a pathogenic variant in AKAP9 causing Long QT Syndrome phenotype (3.3e-06), strongly suggesting that the variant is a benign polymorphism found primarily in populations of African or African-American origin. To our knowledge, no occurrence of c.1651A>G in individuals affected with Long QT Syndrome and no experimental evidence demonstrating its impact on protein function have been reported. Three ClinVar submitters (evaluation after 2014) cite the variant as likely benign. Based on the evidence outlined above, the variant was classified as likely benign.

Ambry Genetics
Classification: Likely benign for Cardiovascular phenotype. Last evaluated: 2018-01-22. Review status: criteria provided, single submitter. Criteria: Ambry Variant Classification Scheme 2023. Collection method: clinical testing. Allele origin: germline.

Eurofins Ntd Llc (ga)
Classification: Likely benign. Last evaluated: 2015-08-28. Review status: criteria provided, single submitter. Criteria: EGL Classification Definitions 2015. Collection method: clinical testing. Allele origin: germline. Observed: 1 variant allele, 1 heterozygote.

NM_005751.5(AKAP9):c.1651A>G (p.Ile551Val)

Gene: AKAP9 (A-kinase anchoring protein 9; plus strand). Cytogenetic location: 7q21.2.
Variant type: single nucleotide variant.
Coding change: c.1651A>G on transcript NM_005751.5 (MANE Select); coding-DNA position 1651, A replaced by G.
Protein change: p.Ile551Val; replaces isoleucine 551 with valine.
Molecular consequence: missense variant.
Genome position (GRCh38, 1-based): chr7:92,001,568, A>G. VCF-style: chr7-92001568-A-G. GRCh37 (hg19) VCF-style: chr7-91630882-A-G.
Other names: c.1651A>G, p.Ile551Val (NM_147185.3); short protein forms I551V.
Identifiers: ClinVar variation 264510 (VCV000264510.21), dbSNP rs140664656, ClinGen allele CA4336043.